The following is an entry in ClinVar:

ClinVar aggregate classification (germline): Uncertain significance (1 of 4 stars; one submission).

Conditions:
Brachyolmia-amelogenesis imperfecta syndrome. Also called: PLATYSPONDYLY WITH AMELOGENESIS IMPERFECTA; Tooth agenesis, selective, 6; Dental anomalies and short stature. Identifiers: Orphanet 2899, MedGen C1832594, MONDO:0011018, OMIM 601216. Disease mechanism: loss of function.

Submission:

Labcorp Genetics (formerly Invitae), Labcorp
Classification: Uncertain significance for Brachyolmia-amelogenesis imperfecta syndrome. Last evaluated: 2024-10-09. Review status: criteria provided, single submitter. Criteria: Invitae Variant Classification Sherloc (09022015). Collection method: clinical testing. Allele origin: germline.
Comment: This sequence change replaces tryptophan, which is neutral and slightly polar, with serine, which is neutral and polar, at codon 553 of the LTBP3 protein (p.Trp553Ser). This variant is not present in population databases (gnomAD no frequency). This variant has not been reported in the literature in individuals affected with LTBP3-related conditions. An algorithm developed to predict the effect of missense changes on protein structure and function (PolyPhen-2) suggests that this variant is likely to be tolerated. In summary, the available evidence is currently insufficient to determine the role of this variant in disease. Therefore, it has been classified as a Variant of Uncertain Significance.

NM_001130144.3(LTBP3):c.1658G>C (p.Trp553Ser)

Gene: LTBP3 (latent transforming growth factor beta binding protein 3; minus strand). Cytogenetic location: 11q13.1.
Variant type: single nucleotide variant.
Coding change: c.1658G>C on transcript NM_001130144.3 (MANE Select); coding-DNA position 1658, G replaced by C.
Protein change: p.Trp553Ser; replaces tryptophan 553 with serine.
Molecular consequence: missense variant.
Genome position (GRCh38, 1-based): chr11:65,551,188, C>G on the plus strand (G>C on the coding strand, the complement: LTBP3 is on the minus strand). VCF-style: chr11-65551188-C-G. GRCh37 (hg19) VCF-style: chr11-65318659-C-G.
Other names: c.1307G>C, p.Trp436Ser (NM_001164266.1); c.1658G>C, p.Trp553Ser (NM_021070.4); short protein forms W436S, W553S.
Identifiers: ClinVar variation 3722526 (VCV003722526.2).
Genomic context (GRCh38, chr11:65,551,188, plus strand): 5'-GTGACCTGAGTGGGAGCGATCTCTACGGCGCTGCGGGAAGGAGGCAAGTCCGGCAGGAAC[C>G]AGCGCATGGTCGGGGGCGAGGGACGGGAGATCAGCTCTGCGGGCGGCAGTGCACTCTGGT-3'
Protein context (NP_001123616.1, residues 543-563): ISRPSPPTMR[Trp553Ser]FLPDLPPSRS